The following is an entry in ClinVar:

NM_138477.4(CDAN1):c.3505C>T (p.Arg1169Trp)

Gene: CDAN1 (codanin 1; minus strand). Cytogenetic location: 15q15.2.
Variant type: single nucleotide variant.
Coding change: c.3505C>T on transcript NM_138477.4 (MANE Select); coding-DNA position 3505, C replaced by T.
Protein change: p.Arg1169Trp; replaces arginine 1169 with tryptophan.
Molecular consequence: missense variant.
Genome position (GRCh38, 1-based): chr15:42,725,197, G>A on the plus strand (C>T on the coding strand, the complement: CDAN1 is on the minus strand). VCF-style: chr15-42725197-G-A. GRCh37 (hg19) VCF-style: chr15-43017395-G-A.
Other names: short protein forms R1169W.
Identifiers: ClinVar variation 4078211 (VCV004078211.2).
Genomic context (GRCh38, chr15:42,725,197, plus strand): 5'-TCCTTACCCCTGGCCACTGGGCCTGGTGGAGGCTGCCCAGGCAGGCCTCTATCTCCATCC[G>A]TCCCATCAGACCCTTCTCCACCAGCTCCCGTAGCAAGAATAGCAGCAAGTCCCACTGCAA-3'
Protein context (NP_612486.2, residues 1159-1179): RELVEKGLMG[Arg1169Trp]MEIEACLGSL

ClinVar aggregate classification (germline): Uncertain significance. Review status: criteria provided, multiple submitters, no conflicts (2 of 4 stars). 2 submissions from 2 submitters: Uncertain significance (2). Last evaluated 2025-10-27.

Conditions:
Anemia, congenital dyserythropoietic, type 1a (CDAN1A). Also called: CDAN1-Related Congenital Dyserythropoietic Anemia; DYSERYTHROPOIETIC ANEMIA, CONGENITAL, TYPE Ia. Identifiers: MedGen C5574667, MONDO:0009135, OMIM 224120.

gnomAD v4.1: 121 of 1,614,168 alleles (0.0075%); highest among the groups gnomAD compares: Middle Eastern, 0.066%; no homozygotes.

Submissions (2):

Labcorp Genetics (formerly Invitae), Labcorp
Classification: Uncertain significance. Last evaluated: 2025-10-27. Review status: criteria provided, single submitter. Criteria: Invitae Variant Classification Sherloc (09022015). Collection method: clinical testing. Allele origin: germline.
Comment: This sequence change replaces arginine, which is basic and polar, with tryptophan, which is neutral and slightly polar, at codon 1169 of the CDAN1 protein (p.Arg1169Trp). This variant is present in population databases (rs184660154, gnomAD 0.07%). This variant has not been reported in the literature in individuals affected with CDAN1-related conditions. ClinVar contains an entry for this variant (Variation ID: 4078211). An algorithm developed to predict the effect of missense changes on protein structure and function (PolyPhen-2) suggests that this variant is likely to be disruptive. In summary, the available evidence is currently insufficient to determine the role of this variant in disease. Therefore, it has been classified as a Variant of Uncertain Significance.

Revvity Omics, Revvity
Classification: Uncertain significance for Anemia, congenital dyserythropoietic, type 1a. Last evaluated: 2024-12-04. Review status: criteria provided, single submitter. Criteria: ACMG Guidelines, 2015. Collection method: clinical testing. Allele origin: germline.